The following is an entry in ClinVar:

NM_021728.4(OTX2):c.155C>G (p.Thr52Arg)

Gene: OTX2 (orthodenticle homeobox 2; minus strand). Cytogenetic location: 14q22.3.
Variant type: single nucleotide variant.
Coding change: c.155C>G on transcript NM_021728.4 (MANE Select); coding-DNA position 155, C replaced by G.
Protein change: p.Thr52Arg; replaces threonine 52 with arginine.
Molecular consequence: missense variant.
Genome position (GRCh38, 1-based): chr14:56,804,306, G>C on the plus strand (C>G on the coding strand, the complement: OTX2 is on the minus strand). VCF-style: chr14-56804306-G-C. GRCh37 (hg19) VCF-style: chr14-57271024-G-C.
Other names: c.131C>G, p.Thr44Arg (NM_001270523.2, NM_001270524.2, NM_172337.3); c.155C>G, p.Thr52Arg (NM_001270525.2); short protein forms T44R, T52R.
Identifiers: ClinVar variation 1714515 (VCV001714515.6), dbSNP rs1203506236, ClinGen allele CA390052493.

ClinVar aggregate classification (germline): Uncertain significance (1 of 4 stars; one submission).

Conditions:
Anophthalmia-microphthalmia syndrome. Also called: Anophthalmia - microphthalmia; Anophthalmia/Microphthalmia. Identifiers: Orphanet 98555, MedGen C5680330, MONDO:0020147.

Submission:

Labcorp Genetics (formerly Invitae), Labcorp
Classification: Uncertain significance for Anophthalmia-microphthalmia syndrome. Last evaluated: 2022-07-30. Review status: criteria provided, single submitter. Criteria: Invitae Variant Classification Sherloc (09022015). Collection method: clinical testing. Allele origin: germline.
Comment: In summary, the available evidence is currently insufficient to determine the role of this variant in disease. Therefore, it has been classified as a Variant of Uncertain Significance. Algorithms developed to predict the effect of missense changes on protein structure and function (SIFT, PolyPhen-2, Align-GVGD) all suggest that this variant is likely to be disruptive. This variant has not been reported in the literature in individuals affected with OTX2-related conditions. This variant is not present in population databases (gnomAD no frequency). This sequence change replaces threonine, which is neutral and polar, with arginine, which is basic and polar, at codon 44 of the OTX2 protein (p.Thr44Arg).